The following is an entry in ClinVar:

ClinVar aggregate classification (germline): Conflicting classifications of pathogenicity. Review status: criteria provided, conflicting classifications (1 of 4 stars). 4 submissions from 4 submitters: Pathogenic (1); Uncertain significance (3). Last evaluated 2025-05-26.

Conditions:
Inborn genetic diseases. Identifiers: MedGen C0950123, MeSH D030342.
Charcot-Marie-Tooth disease, type I (CMT1). Also called: Charcot-Marie-Tooth disease type 1; Charcot-Marie-Tooth, Type 1. Identifiers: Orphanet 65753, MedGen C0751036, MONDO:0019011.

Submissions (4):

Labcorp Genetics (formerly Invitae), Labcorp
Classification: Pathogenic for Charcot-Marie-Tooth disease, type I. Last evaluated: 2025-05-26. Review status: criteria provided, single submitter. Criteria: Invitae Variant Classification Sherloc (09022015). Collection method: clinical testing. Allele origin: germline.
Comment: This sequence change falls in intron 1 of the MPZ gene. It does not directly change the encoded amino acid sequence of the MPZ protein. This variant is not present in population databases (gnomAD no frequency). This variant has been observed in individuals with clinical features of MPZ-related conditions (internal data). Invitae Evidence Modeling of clinical and family history, age, sex, and reported ancestry of multiple individuals with this MPZ variant has been performed. This variant is expected to be pathogenic with a positive predictive value of at least 99%. This is a validated machine learning model that incorporates the clinical features of 13,236 individuals referred to our laboratory for MPZ testing. ClinVar contains an entry for this variant (Variation ID: 462800). Algorithms developed to predict the effect of sequence changes on RNA splicing suggest that this variant may disrupt the consensus splice site. For these reasons, this variant has been classified as Pathogenic.

Athena Diagnostics
Classification: Uncertain significance. Last evaluated: 2023-11-10. Review status: criteria provided, single submitter. Criteria: Athena Diagnostics Criteria. Collection method: clinical testing. Allele origin: unknown.

Kariminejad - Najmabadi Pathology & Genetics Center
Classification: Uncertain significance. Last evaluated: 2022-09-29. Review status: criteria provided, single submitter. Criteria: ACMG Guidelines, 2015. Collection method: clinical testing. Allele origin: germline. Inheritance: Autosomal recessive inheritance. Affected: yes.

Ambry Genetics
Classification: Uncertain significance for Inborn genetic diseases. Last evaluated: 2020-10-13. Review status: criteria provided, single submitter. Criteria: Ambry Variant Classification Scheme 2023. Collection method: clinical testing. Allele origin: germline.
Comment: The c.68-5T>G intronic variant results from a T to G substitution 5 nucleotides upstream from coding exon 2 in the MPZ gene. This nucleotide position is well conserved in available vertebrate species. In silico splice site analysis predicts that this alteration may weaken the native splice acceptor site and will result in the creation or strengthening of a novel splice acceptor site. Since supporting evidence is limited at this time, the clinical significance of this alteration remains unclear.

NM_000530.8(MPZ):c.68-5T>G

Gene: MPZ (myelin protein zero; minus strand). Cytogenetic location: 1q23.3.
Variant type: single nucleotide variant.
Coding change: c.68-5T>G on transcript NM_000530.8 (MANE Select); 5 bases into the intron before coding-DNA position 68, T replaced by G.
Molecular consequence: intron variant.
Genome position (GRCh38, 1-based): chr1:161,307,429, A>C on the plus strand (T>G on the coding strand, the complement: MPZ is on the minus strand). VCF-style: chr1-161307429-A-C. GRCh37 (hg19) VCF-style: chr1-161277219-A-C.
Other names: c.68-5T>G (LRG_256t1, NM_001315491.2).
Identifiers: ClinVar variation 462800 (VCV000462800.15), dbSNP rs1553259835, ClinGen allele CA658656973.